The following is an entry in ClinVar:

ClinVar aggregate classification (germline): Uncertain significance (1 of 4 stars; one submission).

gnomAD v4.1: 9 of 1,614,072 alleles (0.00056%); highest among the groups gnomAD compares: South Asian, 0.0022%; no homozygotes.

Submission:

GeneDx
Classification: Uncertain significance. Last evaluated: 2025-06-24. Review status: criteria provided, single submitter. Criteria: GeneDx Variant Classification Process June 2021. Collection method: clinical testing. Allele origin: germline. Affected: yes.
Comment: In silico analysis supports that this missense variant has a deleterious effect on protein structure/function; Has not been previously published as pathogenic or benign to our knowledge

NM_001376571.1(MADD):c.2854G>A (p.Val952Met)

Gene: MADD (MAP kinase activating death domain; plus strand). Cytogenetic location: 11p11.2.
Variant type: single nucleotide variant.
Coding change: c.2854G>A on transcript NM_001376571.1 (MANE Select); coding-DNA position 2854, G replaced by A.
Protein change: p.Val952Met; replaces valine 952 with methionine.
Molecular consequence: missense variant. On other transcripts: non-coding transcript variant (7), intron variant (1).
Genome position (GRCh38, 1-based): chr11:47,289,904, G>A. VCF-style: chr11-47289904-G-A. GRCh37 (hg19) VCF-style: chr11-47311455-G-A.
Other names: c.2665G>A, p.Val889Met (NM_001376585.1, NM_001376595.1, NM_001376597.1 and 20 more transcripts); c.2725G>A, p.Val909Met (NM_001376586.1, NM_001376617.1, NM_001376629.1 and 15 more transcripts); c.2794G>A, p.Val932Met (NM_001376593.1, NM_001376594.1, NM_001376610.1 and 12 more transcripts); c.2872G>A, p.Val958Met (NM_001376596.1); c.2854G>A, p.Val952Met (NM_001376599.1, NM_001376600.1, NM_001376633.1 and 11 more transcripts); c.2692G>A, p.Val898Met (NM_001376611.1, NM_001376613.1, NM_001376614.1 and 1 more transcripts); c.2767G>A, p.Val923Met (NM_001376631.1, NM_001376578.1); c.2698G>A, p.Val900Met (NM_001376632.1); and 9 more; short protein forms V710M, V821M, V841M, V855M, V864M, V880M, V884M, V889M.
Identifiers: ClinVar variation 4539959 (VCV004539959.1).